The following is an entry in ClinVar:

ClinVar aggregate classification (germline): Uncertain significance (1 of 4 stars; one submission).

gnomAD v4.1: 1 of 1,446,138 alleles (0.000069%); highest among the groups gnomAD compares: Non-Finnish European, 0.00009%; no homozygotes.

Submission:

Labcorp Genetics (formerly Invitae), Labcorp
Classification: Uncertain significance. Last evaluated: 2025-10-22. Review status: criteria provided, single submitter. Criteria: Invitae Variant Classification Sherloc (09022015). Collection method: clinical testing. Allele origin: germline.
Comment: This sequence change replaces glutamic acid, which is acidic and polar, with glycine, which is neutral and non-polar, at codon 63 of the NDUFAF6 protein (p.Glu63Gly). This variant is not present in population databases (gnomAD no frequency). This variant has not been reported in the literature in individuals affected with NDUFAF6-related conditions. Invitae Evidence Modeling of protein sequence and biophysical properties (such as structural, functional, and spatial information, amino acid conservation, physicochemical variation, residue mobility, and thermodynamic stability) indicates that this missense variant is not expected to disrupt NDUFAF6 protein function with a negative predictive value of 80%. In summary, the available evidence is currently insufficient to determine the role of this variant in disease. Therefore, it has been classified as a Variant of Uncertain Significance.

NM_152416.4(NDUFAF6):c.188A>G (p.Glu63Gly)

Genes: NDUFAF6 (NADH:ubiquinone oxidoreductase complex assembly factor 6; plus strand), LOC113788297 (Sharpr-MPRA regulatory region 2014; plus strand). Cytogenetic location: 8q22.1.
Variant type: single nucleotide variant.
Coding change: c.188A>G on transcript NM_152416.4 (MANE Select); coding-DNA position 188, A replaced by G.
Protein change: p.Glu63Gly; replaces glutamic acid 63 with glycine.
Molecular consequence: missense variant. On other transcripts: 5 prime UTR variant (12), non-coding transcript variant (6), intron variant (7).
Genome position (GRCh38, 1-based): chr8:95,025,196, A>G. VCF-style: chr8-95025196-A-G. GRCh37 (hg19) VCF-style: chr8-96037424-A-G.
Other names: c.-93A>G (NM_001330582.2, NM_001354521.2); c.-46A>G (NM_001354517.2); c.-265A>G (NM_001354518.2); c.-261A>G (NM_001354519.2); c.-610A>G (NM_001354527.2); c.-581A>G (NM_001354528.2); c.-393A>G (NM_001354529.2); c.-495A>G (NM_001354530.2); and 8 more; short protein forms E63G.
Identifiers: ClinVar variation 4767137 (VCV004767137.1).